The following is an entry in ClinVar:

NM_004168.4(SDHA):c.75G>A (p.Val25=)

Gene: SDHA (succinate dehydrogenase complex flavoprotein subunit A; plus strand). Cytogenetic location: 5p15.33.
Variant type: single nucleotide variant.
Coding change: c.75G>A on transcript NM_004168.4 (MANE Select); coding-DNA position 75, G replaced by A.
Protein change: p.Val25=; no amino-acid change (valine 25 retained).
Molecular consequence: synonymous variant.
Genome position (GRCh38, 1-based): chr5:223,493, G>A. VCF-style: chr5-223493-G-A. GRCh37 (hg19) VCF-style: chr5-223608-G-A.
Other names: c.75G>A, p.Val25= (NM_001294332.2, NM_001330758.2).
Identifiers: ClinVar variation 1552035 (VCV001552035.11), dbSNP rs774378936, ClinGen allele CA442689762.
Genomic context (GRCh38, chr5:223,493, plus strand): 5'-GTTCCTTCAGGACACTAACCCTCTGGATCTGTGTCTTCTGTGTCTCCAGTGGCCAACAGT[G>A]TTGCAAACAGGAACCCGAGGTTTTCACTTCACTGTTGATGGGAACAAGAGGGCATCTGCT-3'
Protein context (NP_004159.2, residues 15-35): RLALAKAWPT[Val25=]LQTGTRGFHF

ClinVar aggregate classification (germline): Benign/Likely benign. Review status: criteria provided, multiple submitters, no conflicts (2 of 4 stars). 3 submissions from 3 submitters: Benign (1); Likely benign (2). Last evaluated 2025-08-17.

Conditions:
Pheochromocytoma/paraganglioma syndrome 5. Also called: Paragangliomas 5; SDHA-Related Hereditary Paraganglioma-Pheochromocytoma Syndrome. Identifiers: Orphanet 29072, MedGen C3279992, MONDO:0013602, OMIM 614165.
Mitochondrial complex II deficiency, nuclear type 1. Also called: SUCCINATE CoQ REDUCTASE DEFICIENCY. Identifiers: Orphanet 3208, MedGen C5700310, MONDO:0100294, OMIM 252011.
Hereditary cancer-predisposing syndrome. Also called: Tumor predisposition; Hereditary Cancer Syndrome; Hereditary neoplastic syndrome; Neoplastic Syndromes, Hereditary. Identifiers: Orphanet 140162, MedGen C0027672, MeSH D009386, MONDO:0015356.

Submissions (3):

Labcorp Genetics (formerly Invitae), Labcorp
Classification: Likely benign for Pheochromocytoma/paraganglioma syndrome 5; Mitochondrial complex II deficiency, nuclear type 1. Last evaluated: 2025-08-17. Review status: criteria provided, single submitter. Criteria: Invitae Variant Classification Sherloc (09022015). Collection method: clinical testing. Allele origin: germline.

Myriad Genetics, Inc.
Classification: Benign for Pheochromocytoma/paraganglioma syndrome 5. Last evaluated: 2025-02-28. Review status: criteria provided, single submitter. Criteria: Myriad Autosomal Dominant, Autosomal Recessive and X-Linked Classification Criteria (2023). Collection method: clinical testing. Allele origin: unknown.
Comment: This variant is considered benign. This variant is a silent/synonymous amino acid change and it is not expected to impact splicing.

Ambry Genetics
Classification: Likely benign for Hereditary cancer-predisposing syndrome. Last evaluated: 2021-03-23. Review status: criteria provided, single submitter. Criteria: Ambry Variant Classification Scheme 2023. Collection method: clinical testing. Allele origin: germline.